The following continues an entry in ClinVar:

NM_000083.3(CLCN1):c.950G>A (p.Arg317Gln)

Gene: CLCN1. ClinVar aggregate classification (germline): Pathogenic/Likely pathogenic. Pathogenic (10); Likely pathogenic (5).

Submissions 12 to 19 of 19:

HudsonAlpha Institute for Biotechnology
Classification: Likely pathogenic for Congenital myotonia, autosomal dominant form. Last evaluated: 2019-08-26. Review status: criteria provided, single submitter. Criteria: ACMG Guidelines, 2015. Collection method: research. Allele origin: maternal. Affected: yes. Observed: 1 variant allele. Study: HudsonAlpha-AGHI-WGS.

Fulgent Genetics
Classification: Pathogenic for Congenital myotonia, autosomal dominant form; Congenital myotonia, autosomal recessive form. Last evaluated: 2018-10-31. Review status: criteria provided, single submitter. Criteria: ACMG Guidelines, 2015. Collection method: clinical testing. Allele origin: unknown.

Centre for Mendelian Genomics, University Medical Centre Ljubljana
Classification: Likely pathogenic for EMG: myotonic runs; EMG: neuropathic changes; Limb pain; Memory impairment; Migraine; Muscle spasm. Last evaluated: 2017-01-01. Review status: criteria provided, single submitter. Criteria: ACMG Guidelines, 2015. Collection method: clinical testing. Allele origin: unknown. Affected: yes.

Centre for Mendelian Genomics, University Medical Centre Ljubljana
Classification: Likely pathogenic for Congenital myotonia, autosomal recessive form. Last evaluated: 2016-01-01. Review status: criteria provided, single submitter. Criteria: ACMG Guidelines, 2015. Collection method: clinical testing. Allele origin: unknown. Affected: yes.
Comment: This variant was classified as: Likely pathogenic. The following ACMG criteria were applied in classifying this variant: PS1,PP3,PP2.

Department of Neurology and Geriatrics, Kagoshima University Graduate School of Medical and Dental Sciences
Classification: Pathogenic for Congenital myotonia, autosomal dominant form. Last evaluated: 2022-04-06. Review status: no assertion criteria provided. Collection method: research. Allele origin: germline. Affected: yes. Not counted in ClinVar's aggregate classification.

OMIM
Classification: Pathogenic for MYOTONIA CONGENITA, AUTOSOMAL RECESSIVE. Last evaluated: 1998-03-01. Review status: no assertion criteria provided. Collection method: literature only. Allele origin: germline. Not counted in ClinVar's aggregate classification.

OMIM
Classification: Pathogenic for MYOTONIA CONGENITA, AUTOSOMAL DOMINANT. Last evaluated: 1998-03-01. Review status: no assertion criteria provided. Collection method: literature only. Allele origin: germline. Not counted in ClinVar's aggregate classification.

GeneReviews
No classification provided. Condition: Batten-Turner congenital myopathy. Review status: no classification provided. Collection method: literature only. Allele origin: unknown. Not counted in ClinVar's aggregate classification.

Literature cited by the submitters: PubMed 8845168 (cited by 4 submitters); PubMed 17932099 (cited by 3billion); PubMed 8533761 (cited by 5 submitters); PubMed 10737121 (cited by 4 submitters); PubMed 29606556 (cited by 3 submitters); PubMed 25749817 (cited by Athena Diagnostics); PubMed 12163078 (cited by Athena Diagnostics); PubMed 35907044 (cited by Athena Diagnostics); PubMed 34790634 (cited by Athena Diagnostics); PubMed 20301529 (cited by GeneReviews); NCBI Bookshelf NBK1355 (cited by GeneReviews).